The following is an entry in ClinVar:

ClinVar aggregate classification (germline): Likely pathogenic (1 of 4 stars; one submission).

gnomAD v4.1: 1 of 1,613,908 alleles (0.000062%); highest among the groups gnomAD compares: African/African-American, 0.0013%; no homozygotes.

Submission:

Labcorp Genetics (formerly Invitae), Labcorp
Classification: Likely pathogenic. Last evaluated: 2023-02-18. Review status: criteria provided, single submitter. Criteria: Invitae Variant Classification Sherloc (09022015). Collection method: clinical testing. Allele origin: germline.
Comment: In summary, the currently available evidence indicates that the variant is pathogenic, but additional data are needed to prove that conclusively. Therefore, this variant has been classified as Likely Pathogenic. Algorithms developed to predict the effect of sequence changes on RNA splicing suggest that this variant may disrupt the consensus splice site. ClinVar contains an entry for this variant (Variation ID: 864238). This variant has not been reported in the literature in individuals affected with COL7A1-related conditions. This variant is not present in population databases (gnomAD no frequency). This sequence change affects an acceptor splice site in intron 56 of the COL7A1 gene. It is expected to disrupt RNA splicing. Variants that disrupt the donor or acceptor splice site typically lead to a loss of protein function (PMID: 16199547), and loss-of-function variants in COL7A1 are known to be pathogenic (PMID: 16971478).

Literature cited by the submitters: PubMed 16199547; PubMed 16971478.

NM_000094.4(COL7A1):c.5125-2A>T

Gene: COL7A1 (collagen type VII alpha 1 chain; minus strand). Cytogenetic location: 3p21.31.
Variant type: single nucleotide variant.
Coding change: c.5125-2A>T on transcript NM_000094.4 (MANE Select); the canonical splice acceptor site of the intron before coding-DNA position 5125, A replaced by T.
Molecular consequence: splice acceptor variant.
Genome position (GRCh38, 1-based): chr3:48,579,816, T>A on the plus strand (A>T on the coding strand, the complement: COL7A1 is on the minus strand). VCF-style: chr3-48579816-T-A. GRCh37 (hg19) VCF-style: chr3-48617249-T-A.
Identifiers: ClinVar variation 864238 (VCV000864238.7), dbSNP rs2044605646, ClinGen allele CA352678157.